The following is an entry in ClinVar:

NM_000059.4(BRCA2):c.860T>C (p.Met287Thr)

Gene: BRCA2 (BRCA2 DNA repair associated; plus strand). Cytogenetic location: 13q13.1.
Variant type: single nucleotide variant.
Coding change: c.860T>C on transcript NM_000059.4 (MANE Select); coding-DNA position 860, T replaced by C.
Protein change: p.Met287Thr; replaces methionine 287 with threonine.
Molecular consequence: missense variant.
Genome position (GRCh38, 1-based): chr13:32,332,338, T>C. VCF-style: chr13-32332338-T-C. GRCh37 (hg19) VCF-style: chr13-32906475-T-C.
Other names: short protein forms M287T.
Identifiers: ClinVar variation 928848 (VCV000928848.13), dbSNP rs2072398884, ClinGen allele CA387760564.
Genomic context (GRCh38, chr13:32,332,338, plus strand): 5'-GAAAAACATCAGGGAATTCATTTAAAGTAAATAGCTGCAAAGACCACATTGGAAAGTCAA[T>C]GCCAAATGTCCTAGAAGATGAAGTATATGAAACAGTTGTAGATACCTCTGAAGAAGATAG-3'
Protein context (NP_000050.3, residues 277-297): NSCKDHIGKS[Met287Thr]PNVLEDEVYE

ClinVar aggregate classification (germline): Conflicting classifications of pathogenicity. Review status: criteria provided, conflicting classifications (1 of 4 stars). 5 submissions from 5 submitters: Uncertain significance (4); Likely benign (1). Last evaluated 2025-04-05.

Conditions:
Hereditary cancer-predisposing syndrome. Also called: Neoplastic Syndromes, Hereditary; Hereditary Cancer Syndrome; Tumor predisposition; Hereditary neoplastic syndrome. Identifiers: Orphanet 140162, MedGen C0027672, MeSH D009386, MONDO:0015356.
Hereditary breast ovarian cancer syndrome. Also called: Hereditary breast and ovarian cancer syndrome; Hereditary breast and ovarian cancer syndrome (HBOC); Hereditary breast and/or ovarian cancer syndrome; Hereditary breast and ovarian cancer; Breast and ovarian cancer; BRCA1- and BRCA2-Associated Hereditary Breast and Ovarian Cancer. Identifiers: Orphanet 145, MedGen C0677776, MeSH D061325, MONDO:0003582. Disease mechanism: loss of function.

Submissions (5):

Ambry Genetics
Classification: Uncertain significance for Hereditary cancer-predisposing syndrome. Last evaluated: 2025-04-05. Review status: criteria provided, single submitter. Criteria: Ambry Variant Classification Scheme 2023. Collection method: clinical testing. Allele origin: germline.
Comment: The p.M287T variant (also known as c.860T>C), located in coding exon 9 of the BRCA2 gene, results from a T to C substitution at nucleotide position 860. The methionine at codon 287 is replaced by threonine, an amino acid with similar properties. This amino acid position is conserved. In addition, this alteration is predicted to be tolerated by in silico analysis. Based on the available evidence, the clinical significance of this variant remains unclear.

Labcorp Genetics (formerly Invitae), Labcorp
Classification: Uncertain significance for Hereditary breast ovarian cancer syndrome. Last evaluated: 2024-09-15. Review status: criteria provided, single submitter. Criteria: Invitae Variant Classification Sherloc (09022015). Collection method: clinical testing. Allele origin: germline.
Comment: This sequence change replaces methionine, which is neutral and non-polar, with threonine, which is neutral and polar, at codon 287 of the BRCA2 protein (p.Met287Thr). This variant is not present in population databases (gnomAD no frequency). This variant has not been reported in the literature in individuals affected with BRCA2-related conditions. ClinVar contains an entry for this variant (Variation ID: 928848). Invitae Evidence Modeling of protein sequence and biophysical properties (such as structural, functional, and spatial information, amino acid conservation, physicochemical variation, residue mobility, and thermodynamic stability) indicates that this missense variant is not expected to disrupt BRCA2 protein function with a negative predictive value of 95%. In summary, the available evidence is currently insufficient to determine the role of this variant in disease. Therefore, it has been classified as a Variant of Uncertain Significance.

University of Washington Department of Laboratory Medicine, University of Washington
Classification: Likely benign for Hereditary cancer-predisposing syndrome. Last evaluated: 2023-03-23. Review status: criteria provided, single submitter. Criteria: Dines et al. (Genet Med. 2020). Collection method: curation. Allele origin: germline.
Comment: Missense variant in a coldspot region where missense variants are very unlikely to be pathogenic (PMID:31911673).

BRCA2 exon 10 coldspot. Reclassification based on statistical prior probability.

Quest Diagnostics Nichols Institute San Juan Capistrano
Classification: Uncertain significance. Last evaluated: 2019-10-14. Review status: criteria provided, single submitter. Criteria: Quest Diagnostics criteria. Collection method: clinical testing. Allele origin: unknown.

Women's Health and Genetics/Laboratory Corporation of America, LabCorp
Classification: Uncertain significance. Last evaluated: 2019-10-07. Review status: criteria provided, single submitter. Criteria: LabCorp Variant Classification Summary - May 2015. Collection method: clinical testing. Allele origin: germline.
Comment: Variant summary: BRCA2 c.860T>C (p.Met287Thr) results in a non-conservative amino acid change in the encoded protein sequence. Four of five in-silico tools predict a benign effect of the variant on protein function. The variant was absent in 240036 control chromosomes (gnomAD). The available data on variant occurrences in the general population are insufficient to allow any conclusion about variant significance. To our knowledge, no occurrence of c.860T>C in individuals affected with Hereditary Breast and Ovarian Cancer and no experimental evidence demonstrating its impact on protein function have been reported. No clinical diagnostic laboratories have submitted clinical-significance assessments for this variant to ClinVar after 2014. Based on the evidence outlined above, the variant was classified as uncertain significance.